The following is an entry in ClinVar:

NM_000254.3(MTR):c.1330-2A>T

Gene: MTR (5-methyltetrahydrofolate-homocysteine methyltransferase; plus strand). Cytogenetic location: 1q43.
Variant type: single nucleotide variant.
Coding change: c.1330-2A>T on transcript NM_000254.3 (MANE Select); the canonical splice acceptor site of the intron before coding-DNA position 1330, A replaced by T.
Molecular consequence: splice acceptor variant.
Genome position (GRCh38, 1-based): chr1:236,838,412, A>T. VCF-style: chr1-236838412-A-T. GRCh37 (hg19) VCF-style: chr1-237001712-A-T.
Other names: c.1330-2A>T (NM_001291939.1, NM_001410942.1); c.109-2A>T (NM_001291940.2).
Identifiers: ClinVar variation 2093880 (VCV002093880.4), dbSNP rs2528074679, ClinGen allele CA345394531.
Genomic context (GRCh38, chr1:236,838,412, plus strand): 5'-TTGAAAAGTAATTTATAGTGACCTGTGGCCTCTGTGTGATTTTCTTGCCTTTCTGATCTC[A>T]GGTACCTTTGTGCATCGACTCCTCCAATTTTGCTGTGATTGAAGCTGGGTTAAAGTGCTG-3'

ClinVar aggregate classification (germline): Pathogenic (1 of 4 stars; one submission).

Conditions:
Methylcobalamin deficiency type cblG (HMAG). Also called: HOMOCYSTINURIA-MEGALOBLASTIC ANEMIA DUE TO DEFECT IN COBALAMIN METABOLISM, cblG COMPLEMENTATION TYPE; HOMOCYSTINURIA-MEGALOBLASTIC ANEMIA, cblG TYPE; Functional methionine synthase deficiency type cblG; HOMOCYSTINURIA-MEGALOBLASTIC ANEMIA, cblG COMPLEMENTATION TYPE. Identifiers: Orphanet 2170, Orphanet 622, MedGen C1855128, MONDO:0009609, OMIM 250940.

Submission:

Labcorp Genetics (formerly Invitae), Labcorp
Classification: Pathogenic for Methylcobalamin deficiency type cblG. Last evaluated: 2025-01-15. Review status: criteria provided, single submitter. Criteria: Invitae Variant Classification Sherloc (09022015). Collection method: clinical testing. Allele origin: germline.
Comment: This sequence change affects an acceptor splice site in intron 14 of the MTR gene. It is expected to disrupt RNA splicing. Variants that disrupt the donor or acceptor splice site typically lead to a loss of protein function (PMID: 16199547), and loss-of-function variants in MTR are known to be pathogenic (PMID: 9683607, 12068375). This variant is not present in population databases (gnomAD no frequency). Disruption of this splice site has been observed in individual(s) with cobalamin G deficiency (internal data). ClinVar contains an entry for this variant (Variation ID: 2093880). Algorithms developed to predict the effect of sequence changes on RNA splicing suggest that this variant may disrupt the consensus splice site. For these reasons, this variant has been classified as Pathogenic.

Literature cited by the submitters: PubMed 16199547; PubMed 9683607; PubMed 12068375.